The following is an entry in ClinVar:

ClinVar aggregate classification (germline): Pathogenic. Review status: criteria provided, multiple submitters, no conflicts (2 of 4 stars). 2 submissions from 2 submitters: Pathogenic (2). Last evaluated 2022-05-23.

Conditions:
Hereditary cancer-predisposing syndrome. Also called: Hereditary Cancer Syndrome; Hereditary neoplastic syndrome; Neoplastic Syndromes, Hereditary; Tumor predisposition. Identifiers: Orphanet 140162, MedGen C0027672, MeSH D009386, MONDO:0015356.
Hereditary breast ovarian cancer syndrome. Also called: Hereditary breast and ovarian cancer syndrome (HBOC); Breast and ovarian cancer; BRCA1- and BRCA2-Associated Hereditary Breast and Ovarian Cancer; Hereditary breast and/or ovarian cancer syndrome; Hereditary breast and ovarian cancer; Hereditary breast and ovarian cancer syndrome. Identifiers: Orphanet 145, MedGen C0677776, MeSH D061325, MONDO:0003582. Disease mechanism: loss of function.

Submissions (2):

Ambry Genetics
Classification: Pathogenic for Hereditary cancer-predisposing syndrome. Last evaluated: 2022-05-23. Review status: criteria provided, single submitter. Criteria: Ambry Variant Classification Scheme 2023. Collection method: clinical testing. Allele origin: germline.
Comment: The p.K513* pathogenic mutation (also known as c.1537A>T), located in coding exon 9 of the BRCA2 gene, results from an A to T substitution at nucleotide position 1537. This changes the amino acid from a lysine to a stop codon within coding exon 9. This variant is considered to be rare based on population cohorts in the Genome Aggregation Database (gnomAD). This alteration is expected to result in loss of function by premature protein truncation or nonsense-mediated mRNA decay. As such, this alteration is interpreted as a disease-causing mutation.

Labcorp Genetics (formerly Invitae), Labcorp
Classification: Pathogenic for Hereditary breast ovarian cancer syndrome. Last evaluated: 2021-06-23. Review status: criteria provided, single submitter. Criteria: Invitae Variant Classification Sherloc (09022015). Collection method: clinical testing. Allele origin: germline.
Comment: This variant is not present in population databases (ExAC no frequency). This variant has not been reported in the literature in individuals with BRCA2-related conditions. For these reasons, this variant has been classified as Pathogenic. This sequence change creates a premature translational stop signal (p.Lys513*) in the BRCA2 gene. It is expected to result in an absent or disrupted protein product. Loss-of-function variants in BRCA2 are known to be pathogenic (PMID: 20104584).

Literature cited by the submitters: PubMed 20104584 (cited by Labcorp Genetics (formerly Invitae), Labcorp).

NM_000059.4(BRCA2):c.1537A>T (p.Lys513Ter)

Gene: BRCA2 (BRCA2 DNA repair associated; plus strand). Cytogenetic location: 13q13.1.
Variant type: single nucleotide variant.
Coding change: c.1537A>T on transcript NM_000059.4 (MANE Select); coding-DNA position 1537, A replaced by T.
Protein change: p.Lys513Ter; replaces lysine 513 with a stop codon.
Molecular consequence: nonsense.
Genome position (GRCh38, 1-based): chr13:32,333,015, A>T. VCF-style: chr13-32333015-A-T. GRCh37 (hg19) VCF-style: chr13-32907152-A-T.
Other names: short protein forms K513*.
Identifiers: ClinVar variation 1434371 (VCV001434371.8), dbSNP rs1555281938, ClinGen allele CA387764613.